The following is an entry in ClinVar:

NC_000017.10:g.(?_78071024)_(78073574_?)dup

Gene: CCDC40 (coiled-coil domain 40 molecular ruler complex subunit; plus strand). Cytogenetic location: 17q25.3.
Variant type: Duplication.
Identifiers: ClinVar variation 2426415 (VCV002426415.11).

ClinVar aggregate classification (germline): Uncertain significance (1 of 4 stars; one submission).

Conditions:
Primary ciliary dyskinesia. Also called: Ciliary dyskinesia. Identifiers: Orphanet 244, MedGen C0008780, MONDO:0016575, HP:0012265.

Submission:

Labcorp Genetics (formerly Invitae), Labcorp
Classification: Uncertain significance for Primary ciliary dyskinesia. Last evaluated: 2022-08-19. Review status: criteria provided, single submitter. Criteria: Invitae Variant Classification Sherloc (09022015). Collection method: clinical testing. Allele origin: germline.
Comment: This variant results in a copy number gain of the genomic region encompassing exon(s) 19-20 of the CCDC40 gene. This region includes the termination codon of the gene. This copy number gain extends beyond the assayed region for this gene and therefore may encompass additional genes. As the precise location of this event is unknown, it may be in tandem or it may be located elsewhere in the genome. This variant has not been reported in the literature in individuals affected with CCDC40-related conditions. In summary, the available evidence is currently insufficient to determine the role of this variant in disease. Therefore, it has been classified as a Variant of Uncertain Significance.